The following is an entry in ClinVar:

NM_001424.6(EMP2):c.359G>A (p.Arg120His)

Gene: EMP2 (epithelial membrane protein 2; minus strand). Cytogenetic location: 16p13.13.
Variant type: single nucleotide variant.
Coding change: c.359G>A on transcript NM_001424.6 (MANE Select); coding-DNA position 359, G replaced by A.
Protein change: p.Arg120His; replaces arginine 120 with histidine.
Molecular consequence: missense variant.
Genome position (GRCh38, 1-based): chr16:10,533,050, C>T on the plus strand (G>A on the coding strand, the complement: EMP2 is on the minus strand). VCF-style: chr16-10533050-C-T. GRCh37 (hg19) VCF-style: chr16-10626907-C-T.
Other names: c.359G>A (NM_001424.4); short protein forms R120H.
Identifiers: ClinVar variation 2140842 (VCV002140842.5), dbSNP rs370673124, ClinGen allele CA7897755.

ClinVar aggregate classification (germline): Uncertain significance. Review status: criteria provided, multiple submitters, no conflicts (2 of 4 stars). 2 submissions from 2 submitters: Uncertain significance (2). Last evaluated 2023-06-22.

Allele frequency attached by ClinVar (database versions not stated): ExAC 0.00001.
gnomAD v4.1: 115 of 1,608,686 alleles (0.0071%); highest among the groups gnomAD compares: African/African-American, 0.0094%; no homozygotes.

Submissions (2):

Ambry Genetics
Classification: Uncertain significance. Last evaluated: 2023-06-22. Review status: criteria provided, single submitter. Criteria: Ambry Variant Classification Scheme 2023. Collection method: clinical testing. Allele origin: germline.

Labcorp Genetics (formerly Invitae), Labcorp
Classification: Uncertain significance. Last evaluated: 2023-05-08. Review status: criteria provided, single submitter. Criteria: Invitae Variant Classification Sherloc (09022015). Collection method: clinical testing. Allele origin: germline.
Comment: This sequence change replaces arginine, which is basic and polar, with histidine, which is basic and polar, at codon 120 of the EMP2 protein (p.Arg120His). This variant is present in population databases (rs370673124, gnomAD 0.008%). This variant has not been reported in the literature in individuals affected with EMP2-related conditions. ClinVar contains an entry for this variant (Variation ID: 2140842). Algorithms developed to predict the effect of missense changes on protein structure and function output the following: SIFT: "Not Available"; PolyPhen-2: "Benign"; Align-GVGD: "Not Available". The histidine amino acid residue is found in multiple mammalian species, which suggests that this missense change does not adversely affect protein function. In summary, the available evidence is currently insufficient to determine the role of this variant in disease. Therefore, it has been classified as a Variant of Uncertain Significance.